The following is an entry in ClinVar:

ClinVar aggregate classification (germline): Uncertain significance (0 of 4 stars; one submission).

Conditions:
PLXNA4-related disorder. Also called: PLXNA4-related condition.

gnomAD v4.1: 20 of 1,614,258 alleles (0.0012%); highest among the groups gnomAD compares: Admixed American, 0.0033%; no homozygotes.

Submission:

PreventionGenetics, part of Exact Sciences
Classification: Uncertain significance for PLXNA4-related condition. Last evaluated: 2024-04-06. Review status: no assertion criteria provided. Collection method: clinical testing. Allele origin: germline.
Comment: The PLXNA4 c.4433C>T variant is predicted to result in the amino acid substitution p.Thr1478Met. To our knowledge, this variant has not been reported in the literature. This variant is reported in 0.0058% of alleles in individuals of Latino descent in gnomAD. At this time, the clinical significance of this variant is uncertain due to the absence of conclusive functional and genetic evidence.

NM_020911.2(PLXNA4):c.4433C>T (p.Thr1478Met)

Gene: PLXNA4 (plexin A4; minus strand). Cytogenetic location: 7q32.3.
Variant type: single nucleotide variant.
Coding change: c.4433C>T on transcript NM_020911.2 (MANE Select); coding-DNA position 4433, C replaced by T.
Protein change: p.Thr1478Met; replaces threonine 1478 with methionine.
Molecular consequence: missense variant.
Genome position (GRCh38, 1-based): chr7:132,164,209, G>A on the plus strand (C>T on the coding strand, the complement: PLXNA4 is on the minus strand). VCF-style: chr7-132164209-G-A. GRCh37 (hg19) VCF-style: chr7-131848968-G-A.
Other names: c.4433C>T, p.Thr1478Met (NM_001393897.1); short protein forms T1478M.
Identifiers: ClinVar variation 3353947 (VCV003353947.1).
Genomic context (GRCh38, chr7:132,164,209, plus strand): 5'-TTGTAGTCAATCTGCTGGCGGATGAGCTTGTCCTCGCTCAAGGAGTAGCGGGCCTCGCCC[G>A]TGATGGCGTCAATGGGGCCCTTCTCCATCTGCTGCTTGATGGCACAGAACAGGGAGAAGA-3'
Protein context (NP_065962.1, residues 1468-1488): QMEKGPIDAI[Thr1478Met]GEARYSLSED